The following is an entry in ClinVar:

NM_020812.4(DOCK6):c.104C>A (p.Ser35Tyr)

Gene: DOCK6 (dedicator of cytokinesis 6; minus strand). Cytogenetic location: 19p13.2.
Variant type: single nucleotide variant.
Coding change: c.104C>A on transcript NM_020812.4 (MANE Select); coding-DNA position 104, C replaced by A.
Protein change: p.Ser35Tyr; replaces serine 35 with tyrosine.
Molecular consequence: missense variant.
Genome position (GRCh38, 1-based): chr19:11,253,667, G>T on the plus strand (C>A on the coding strand, the complement: DOCK6 is on the minus strand). VCF-style: chr19-11253667-G-T. GRCh37 (hg19) VCF-style: chr19-11364343-G-T.
Other names: c.104C>A, p.Ser35Tyr (NM_001367830.1); short protein forms S35Y.
Identifiers: ClinVar variation 2096890 (VCV002096890.4), dbSNP rs1267945904, ClinGen allele CA404118949.

ClinVar aggregate classification (germline): Uncertain significance (1 of 4 stars; one submission).

Submission:

Labcorp Genetics (formerly Invitae), Labcorp
Classification: Uncertain significance. Last evaluated: 2022-05-05. Review status: criteria provided, single submitter. Criteria: Invitae Variant Classification Sherloc (09022015). Collection method: clinical testing. Allele origin: germline.
Comment: In summary, the available evidence is currently insufficient to determine the role of this variant in disease. Therefore, it has been classified as a Variant of Uncertain Significance. Algorithms developed to predict the effect of missense changes on protein structure and function are either unavailable or do not agree on the potential impact of this missense change (SIFT: "Deleterious"; PolyPhen-2: "Benign"; Align-GVGD: "Class C0"). This variant has not been reported in the literature in individuals affected with DOCK6-related conditions. This variant is not present in population databases (gnomAD no frequency). This sequence change replaces serine, which is neutral and polar, with tyrosine, which is neutral and polar, at codon 35 of the DOCK6 protein (p.Ser35Tyr).